The following is an entry in ClinVar:

NM_000135.4(FANCA):c.3641A>G (p.Glu1214Gly)

Gene: FANCA (FA complementation group A; minus strand). Cytogenetic location: 16q24.3.
Variant type: single nucleotide variant.
Coding change: c.3641A>G on transcript NM_000135.4 (MANE Select); coding-DNA position 3641, A replaced by G.
Protein change: p.Glu1214Gly; replaces glutamic acid 1214 with glycine.
Molecular consequence: missense variant.
Genome position (GRCh38, 1-based): chr16:89,742,924, T>C on the plus strand (A>G on the coding strand, the complement: FANCA is on the minus strand). VCF-style: chr16-89742924-T-C. GRCh37 (hg19) VCF-style: chr16-89809332-T-C.
Other names: c.3641A>G, p.Glu1214Gly (NM_001286167.3); short protein forms E1214G.
Identifiers: ClinVar variation 4870871 (VCV004870871.1).
Genomic context (GRCh38, chr16:89,742,924, plus strand): 5'-ATCGCAAAGTGCAGTGCAGCAGCTGAGAGCCAGTCCGGGTTGGGTGCTGGGGAGGCAGCC[T>C]CAGGGGAGAGGAAACTGGGACAGAGAGAACGGGGTCATTGCAGGGCCTTACAACCATACA-3'
Protein context (NP_000126.2, residues 1204-1224): RQFASDFLSP[Glu1214Gly]AASPAPNPDW

ClinVar aggregate classification (germline): Uncertain significance (1 of 4 stars; one submission).

Conditions:
Inborn genetic diseases. Identifiers: MedGen C0950123, MeSH D030342.

Submission:

Ambry Genetics
Classification: Uncertain significance for Inborn genetic diseases. Last evaluated: 2026-05-14. Review status: criteria provided, single submitter. Criteria: Ambry Variant Classification Scheme 2023. Collection method: clinical testing. Allele origin: germline.
Comment: The p.E1214G variant (also known as c.3641A>G), located in coding exon 37 of the FANCA gene, results from an A to G substitution at nucleotide position 3641. The glutamic acid at codon 1214 is replaced by glycine, an amino acid with similar properties. This amino acid position is conserved. In addition, this alteration is predicted to be tolerated by in silico analysis. Based on the available evidence, the clinical significance of this variant remains unclear.